The following is an entry in ClinVar:

NM_006363.6(SEC23B):c.1570G>A (p.Ala524Thr)

Gene: SEC23B (SEC23 homolog B, COPII coat complex component; plus strand). Cytogenetic location: 20p11.23.
Variant type: single nucleotide variant.
Coding change: c.1570G>A on transcript NM_006363.6 (MANE Select); coding-DNA position 1570, G replaced by A.
Protein change: p.Ala524Thr; replaces alanine 524 with threonine.
Molecular consequence: missense variant.
Genome position (GRCh38, 1-based): chr20:18,543,077, G>A. VCF-style: chr20-18543077-G-A. GRCh37 (hg19) VCF-style: chr20-18523721-G-A.
Other names: c.1570G>A, p.Ala524Thr (NM_001172745.3, NM_032985.6, NM_032986.5); c.1516G>A, p.Ala506Thr (NM_001172746.3); short protein forms A506T, A524T.
Identifiers: ClinVar variation 3256941 (VCV003256941.1).

ClinVar aggregate classification (germline): Likely pathogenic (1 of 4 stars; one submission).

Conditions:
Susceptibility to severe COVID-19.

gnomAD v4.1: 1 of 1,614,198 alleles (0.000062%); highest among the groups gnomAD compares: South Asian, 0.0011%; no homozygotes.

Submission:

Molecular Medicine Center, Medical University of Sofia
Classification: Likely pathogenic for Susceptibility to severe COVID-19. Last evaluated: 2024-07-22. Review status: criteria provided, single submitter. Criteria: ACMG Guidelines, 2015. Collection method: research. Allele origin: germline. Affected: yes.
Comment: Novel (unreported in gnomAD or dbSNP until April 2024) variant found in severely infected COVID-19 Bulgarian patients in a research study. Variant is classified as likely pathogenic according to the ACMG criteria: PM2,PM1,PM5.